The following is an entry in ClinVar:

NM_022089.4(ATP13A2):c.132A>G (p.Pro44=)

Gene: ATP13A2 (ATPase cation transporting 13A2; minus strand). Cytogenetic location: 1p36.13.
Variant type: single nucleotide variant.
Coding change: c.132A>G on transcript NM_022089.4 (MANE Select); coding-DNA position 132, A replaced by G.
Protein change: p.Pro44=; no amino-acid change (proline 44 retained).
Molecular consequence: synonymous variant.
Genome position (GRCh38, 1-based): chr1:17,005,530, T>C on the plus strand (A>G on the coding strand, the complement: ATP13A2 is on the minus strand). VCF-style: chr1-17005530-T-C. GRCh37 (hg19) VCF-style: chr1-17332025-T-C.
Other names: c.132A>G, p.Pro44= (NM_001141973.3, NM_001141974.3).
Identifiers: ClinVar variation 261540 (VCV000261540.96), dbSNP rs200816691, ClinGen allele CA637751.
Genomic context (GRCh38, chr1:17,005,530, plus strand): 5'-GAGCAGCAAAGGGATCCCAGCCATCATCCAGACCACGACGTGATAGCCGATGACCCTCCA[T>C]GGACTGCCACAGTAGCCGCTGAGCCTCTGCGAACGCAGCGAGAGAGGGCCCAGGTCGGGG-3'
Protein context (NP_071372.1, residues 34-54): SVRLSGYCGS[Pro44=]WRVIGYHVVV

ClinVar aggregate classification (germline): Benign/Likely benign. Review status: criteria provided, multiple submitters, no conflicts (2 of 4 stars). 13 submissions from 13 submitters: Benign (5); Likely benign (5). 3 of the submissions do not count toward it. Last evaluated 2026-09-01.

Conditions:
Autosomal recessive spastic paraplegia type 78. Identifiers: Orphanet 513436, MedGen C5567893, MONDO:0014975, OMIM 617225.
Kufor-Rakeb syndrome (KRS). Also called: PARKINSON DISEASE 9, AUTOSOMAL RECESSIVE, JUVENILE-ONSET. Identifiers: Orphanet 306674, Orphanet 314632, MedGen C1847640, MONDO:0011706, OMIM 606693.
Inborn genetic diseases. Identifiers: MedGen C0950123, MeSH D030342.

Allele frequency attached by ClinVar (database versions not stated): 1000 Genomes Project 30x 0.00047; 1000 Genomes Project 0.00060; TOPMed 0.00384; ExAC 0.00430; gnomAD exomes 0.00453 and 0.00605; gnomAD 0.00458 and 0.00471.
gnomAD v4.1: 9,569 of 1,614,116 alleles (0.59%); highest among the groups gnomAD compares: Non-Finnish European, 0.67%; 39 homozygotes.

Submissions (13):

CeGaT Center for Human Genetics Tuebingen
Classification: Likely benign. Last evaluated: 2026-09-01. Review status: criteria provided, single submitter. Criteria: CeGaT Center For Human Genetics Tuebingen Variant Classification Criteria Version 2. Collection method: clinical testing. Allele origin: germline. Affected: yes. Observed: 54 variant alleles.
Comment: ATP13A2: BP4, BP7, BS2

Labcorp Genetics (formerly Invitae), Labcorp
Classification: Benign for Kufor-Rakeb syndrome; Autosomal recessive spastic paraplegia type 78. Last evaluated: 2026-02-04. Review status: criteria provided, single submitter. Criteria: Invitae Variant Classification Sherloc (09022015). Collection method: clinical testing. Allele origin: germline.

Fulgent Genetics
Classification: Likely benign for Kufor-Rakeb syndrome; Autosomal recessive spastic paraplegia type 78. Last evaluated: 2022-04-29. Review status: criteria provided, single submitter. Criteria: ACMG Guidelines, 2015. Collection method: clinical testing. Allele origin: unknown.

GeneDx
Classification: Benign. Last evaluated: 2019-08-12. Review status: criteria provided, single submitter. Criteria: GeneDx Variant Classification Process June 2021. Collection method: clinical testing. Allele origin: germline. Affected: yes.
Comment: This variant is associated with the following publications: (PMID: 20816920, 22743658)

Athena Diagnostics
Classification: Benign. Last evaluated: 2019-03-27. Review status: criteria provided, single submitter. Criteria: Athena Diagnostics Criteria. Collection method: clinical testing. Allele origin: germline.

Illumina Laboratory Services, Illumina
Classification: Benign for Kufor-Rakeb syndrome. Last evaluated: 2017-08-08. Review status: criteria provided, single submitter. Criteria: ICSL Variant Classification Criteria 13 December 2019. Collection method: clinical testing. Allele origin: germline.
Comment: This variant was observed as part of a predisposition screen in an ostensibly healthy population. A literature search was performed for the gene, cDNA change, and amino acid change (where applicable). Publications were found based on this search. The evidence from the literature, in combination with allele frequency data from public databases where available, was sufficient to rule this variant out of causing disease. Therefore, this variant is classified as benign.

Ambry Genetics
Classification: Likely benign for Inborn genetic diseases. Last evaluated: 2016-06-09. Review status: criteria provided, single submitter. Criteria: Ambry Variant Classification Scheme 2023. Collection method: clinical testing. Allele origin: germline.

Eurofins Ntd Llc (ga)
Classification: Likely benign. Last evaluated: 2016-01-28. Review status: criteria provided, single submitter. Criteria: EGL Classification Definitions 2015. Collection method: clinical testing. Allele origin: germline. Observed: 1 variant allele, 1 heterozygote.

Breakthrough Genomics
Classification: Likely benign. Review status: criteria provided, single submitter. Criteria: ACMG Guidelines, 2015. Collection method: not provided. Allele origin: germline. Inheritance: Autosomal recessive inheritance. Affected: yes.

PreventionGenetics, part of Exact Sciences
Classification: Benign. Review status: criteria provided, single submitter. Criteria: ACMG Guidelines, 2015. Collection method: clinical testing. Allele origin: germline.

Mayo Clinic Laboratories, Mayo Clinic
Classification: Likely benign. Last evaluated: 2017-08-15. Review status: no assertion criteria provided. Collection method: clinical testing. Allele origin: unknown. Not counted in ClinVar's aggregate classification.

Clinical Genetics DNA and cytogenetics Diagnostics Lab, Erasmus MC, Erasmus Medical Center
Classification: Likely benign. Review status: no assertion criteria provided. Collection method: clinical testing. Allele origin: germline. Affected: yes. Study: VKGL Data-share Consensus. Not counted in ClinVar's aggregate classification.

Diagnostic Laboratory, Department of Genetics, University Medical Center Groningen
Classification: Likely benign for Kufor-Rakeb syndrome. Review status: no assertion criteria provided. Collection method: clinical testing. Allele origin: germline. Affected: yes. Study: VKGL Data-share Consensus. Not counted in ClinVar's aggregate classification.

Literature cited by the submitters: PubMed 20816920 (cited by Athena Diagnostics and Illumina Laboratory Services, Illumina); PubMed 22743658 (cited by Athena Diagnostics and Illumina Laboratory Services, Illumina); PubMed 19360675 (cited by Illumina Laboratory Services, Illumina).